The following is an entry in ClinVar:

ClinVar aggregate classification (germline): Uncertain significance (1 of 4 stars; one submission).

Conditions:
Cardiovascular phenotype. Identifiers: MedGen CN230736.

Allele frequency attached by ClinVar (database versions not stated): gnomAD 0.00001.
gnomAD v4.1: 1 of 1,613,752 alleles (0.000062%); highest among the groups gnomAD compares: Admixed American, 0.0017%; no homozygotes.

Submission:

Ambry Genetics
Classification: Uncertain significance for Cardiovascular phenotype. Last evaluated: 2023-03-18. Review status: criteria provided, single submitter. Criteria: Ambry Variant Classification Scheme 2023. Collection method: clinical testing. Allele origin: germline.
Comment: The p.R234S variant (also known as c.702G>C), located in coding exon 5 of the MYOZ2 gene, results from a G to C substitution at nucleotide position 702. The arginine at codon 234 is replaced by serine, an amino acid with dissimilar properties. This amino acid position is conserved. In addition, this alteration is predicted to be deleterious by in silico analysis. Since supporting evidence is limited at this time, the clinical significance of this alteration remains unclear.

NM_016599.5(MYOZ2):c.702G>C (p.Arg234Ser)

Gene: MYOZ2 (myozenin 2; plus strand). Cytogenetic location: 4q26.
Variant type: single nucleotide variant.
Coding change: c.702G>C on transcript NM_016599.5 (MANE Select); coding-DNA position 702, G replaced by C.
Protein change: p.Arg234Ser; replaces arginine 234 with serine.
Molecular consequence: missense variant.
Genome position (GRCh38, 1-based): chr4:119,186,107, G>C. VCF-style: chr4-119186107-G-C. GRCh37 (hg19) VCF-style: chr4-120107262-G-C.
Other names: short protein forms R234S.
Identifiers: ClinVar variation 2564189 (VCV002564189.2), dbSNP rs757085402, ClinGen allele CA358202242.
Genomic context (GRCh38, chr4:119,186,107, plus strand): 5'-AACAGATCCCAGGTTTATGTCCTTTGTCAATCCCCTTTCTGGCAGACGGTCCTTTAATAG[G>C]ACTCCTAAGGGATGGATATCTGAGAATATTCCTATAGTGATAACAACCGAACCTACAGAT-3'
Protein context (NP_057683.1, residues 224-244): NPLSGRRSFN[Arg234Ser]TPKGWISENI